The following is an entry in ClinVar:

NM_016038.4(SBDS):c.428C>T (p.Ser143Leu)

Gene: SBDS (SBDS ribosome maturation factor; minus strand). Cytogenetic location: 7q11.21.
Variant type: single nucleotide variant.
Coding change: c.428C>T on transcript NM_016038.4 (MANE Select); coding-DNA position 428, C replaced by T.
Protein change: p.Ser143Leu; replaces serine 143 with leucine.
Molecular consequence: missense variant.
Genome position (GRCh38, 1-based): chr7:66,993,248, G>A on the plus strand (C>T on the coding strand, the complement: SBDS is on the minus strand). VCF-style: chr7-66993248-G-A. GRCh37 (hg19) VCF-style: chr7-66458235-G-A.
Other names: short protein forms S143L.
Identifiers: ClinVar variation 2678594 (VCV002678594.4), dbSNP rs1376011266, ClinGen allele CA367649423.

ClinVar aggregate classification (germline): Conflicting classifications of pathogenicity. Review status: criteria provided, conflicting classifications (1 of 4 stars). 3 submissions from 3 submitters: Likely pathogenic (2); Uncertain significance (1). Last evaluated 2026-03-26.

Conditions:
Aplastic anemia. Identifiers: Orphanet 182040, Orphanet 88, MedGen C0002874, MONDO:0015909, OMIM 609135, HP:0001915.
Shwachman-Diamond syndrome 1 (SDS1). Also called: LIPOMATOSIS OF PANCREAS, CONGENITAL. Identifiers: MedGen C4692625, MONDO:0044204, OMIM 260400.

Allele frequency attached by ClinVar (database versions not stated): gnomAD 0.00001; gnomAD exomes 0.00001; TOPMed below 0.00001.
gnomAD v4.1: 14 of 1,613,946 alleles (0.00087%); highest among the groups gnomAD compares: Admixed American, 0.0017%; no homozygotes.

Submissions (3):

Women's Health and Genetics/Laboratory Corporation of America, LabCorp
Classification: Uncertain significance. Last evaluated: 2026-03-26. Review status: criteria provided, single submitter. Criteria: LabCorp Variant Classification Summary - May 2015. Collection method: clinical testing. Allele origin: germline.
Comment: Variant summary: SBDS c.428C>T (p.Ser143Leu) results in a non-conservative amino acid change in the encoded protein sequence. Algorithms developed to predict the effect of missense changes on protein structure and function all suggest that this variant is likely to be disruptive. The variant allele was found at a frequency of 8e-06 in 251484 control chromosomes (gnomAD). c.428C>T has been observed in individuals affected with Shwachman-Diamond syndrome 1 (e.g. Steele_2014, Ye_2018). These data indicate that the variant may be associated with disease. At least one publication reports experimental evidence evaluating an impact on protein function, finding that the variant abolishes interaction with ELF1 (Gijsbers_2018). The following publications have been ascertained in the context of this evaluation (PMID: 30308536, 30545121). ClinVar contains an entry for this variant (Variation ID: 2678594). Based on the evidence outlined above, the variant was classified as VUS-possibly pathogenic.

Broad Center for Mendelian Genomics, Broad Institute of MIT and Harvard
Classification: Likely pathogenic for Shwachman-Diamond syndrome 1. Last evaluated: 2025-02-06. Review status: criteria provided, single submitter. Criteria: ACMG Guidelines, 2015. Collection method: curation. Allele origin: germline. Inheritance: Autosomal recessive inheritance.
Comment: The p.Ser143Leu variant in SBDS has been reported in 2 individuals with Shwachman-Diamond syndrome (DOI: 10.15406/jig.2014.01.00008, PMID: 30308536), and has been identified in 0.002% (1/59992) of Admixed American chromosomes by the Genome Aggregation Database (gnomAD; dbSNP rs1376011266). Although this variant has been seen in the general population in a heterozygous state, its frequency is low enough to be consistent with a recessive carrier frequency. The presence of a known pseudogene, SBDSP1, can impact the reliability of allele frequencies. Of the 2 affected individuals, both were compound heterozygotes that carried reported pathogenic variants in trans, which increases the likelihood that the p.Ser143Leu is pathogenic (Variation ID: 3196; PMID: 30308536). Computational prediction tools and conservation analyses suggest that this variant may impact the protein, though this information is not predictive enough to determine pathogenicity. In summary, although additional studies are required to fully establish its clinical significance, this variant is likely pathogenic for autosomal recessive Shwachman-Diamond syndrome. ACMG/AMP Criteria applied: PM3_strong, PP3_moderate, PM2_supporting (Richards 2015).

Baylor Genetics
Classification: Likely pathogenic for Aplastic anemia. Last evaluated: 2023-11-08. Review status: criteria provided, single submitter. Criteria: ACMG Guidelines, 2015. Collection method: clinical testing. Allele origin: unknown.

Literature cited by the submitters: PubMed 30545121 (cited by Women's Health and Genetics/Laboratory Corporation of America, LabCorp); PubMed 30308536 (cited by Women's Health and Genetics/Laboratory Corporation of America, LabCorp).